The following is an entry in ClinVar:

ClinVar aggregate classification (germline): Uncertain significance. Review status: criteria provided, multiple submitters, no conflicts (2 of 4 stars). 2 submissions from 2 submitters: Uncertain significance (2). Last evaluated 2025-11-04.

Conditions:
Congenital muscular dystrophy due to integrin alpha-7 deficiency. Also called: MYOPATHY, CONGENITAL, DUE TO INTEGRIN ALPHA-7 DEFICIENCY; Congenital muscular dystrophy with integrin alpha-7 deficiency; Muscular dystrophy, congenital, due to ITGA7 deficiency. Identifiers: Orphanet 34520, MedGen C2750786, MONDO:0013177, OMIM 613204.

Allele frequency attached by ClinVar (database versions not stated): TOPMed below 0.00001; ExAC 0.00003.
gnomAD v4.1: 8 of 1,613,568 alleles (0.0005%); highest among the groups gnomAD compares: South Asian, 0.0022%; no homozygotes.

Submissions (2):

Labcorp Genetics (formerly Invitae), Labcorp
Classification: Uncertain significance for Congenital muscular dystrophy due to integrin alpha-7 deficiency. Last evaluated: 2025-11-04. Review status: criteria provided, single submitter. Criteria: Invitae Variant Classification Sherloc (09022015). Collection method: clinical testing. Allele origin: germline.
Comment: This sequence change replaces arginine, which is basic and polar, with tryptophan, which is neutral and slightly polar, at codon 249 of the ITGA7 protein (p.Arg249Trp). This variant is present in population databases (rs779668899, gnomAD 0.003%). This variant has not been reported in the literature in individuals affected with ITGA7-related conditions. ClinVar contains an entry for this variant (Variation ID: 1431302). Invitae Evidence Modeling of protein sequence and biophysical properties (such as structural, functional, and spatial information, amino acid conservation, physicochemical variation, residue mobility, and thermodynamic stability) indicates that this missense variant is not expected to disrupt ITGA7 protein function with a negative predictive value of 80%. In summary, the available evidence is currently insufficient to determine the role of this variant in disease. Therefore, it has been classified as a Variant of Uncertain Significance.

Ambry Genetics
Classification: Uncertain significance. Last evaluated: 2024-12-16. Review status: criteria provided, single submitter. Criteria: Ambry Variant Classification Scheme 2023. Collection method: clinical testing. Allele origin: germline.

NM_002206.3(ITGA7):c.745C>T (p.Arg249Trp)

Gene: ITGA7 (integrin subunit alpha 7; minus strand). Cytogenetic location: 12q13.2.
Variant type: single nucleotide variant.
Coding change: c.745C>T on transcript NM_002206.3 (MANE Select); coding-DNA position 745, C replaced by T.
Protein change: p.Arg249Trp; replaces arginine 249 with tryptophan.
Molecular consequence: missense variant. On other transcripts: intron variant (7).
Genome position (GRCh38, 1-based): chr12:55,699,915, G>A on the plus strand (C>T on the coding strand, the complement: ITGA7 is on the minus strand). VCF-style: chr12-55699915-G-A. GRCh37 (hg19) VCF-style: chr12-56093699-G-A.
Other names: c.745C>T, p.Arg249Trp (NM_001414034.1, NM_001374465.1, NM_001414031.1); c.406C>T, p.Arg136Trp (NM_001414035.1); c.511+347C>T (NM_001144997.2); c.463+347C>T (NM_001367993.1); c.-503+984C>T (NM_001367994.1); c.670+984C>T (NM_001414032.1); c.802+347C>T (NM_001414030.1, NM_001414029.1, NM_001144996.2); c.877C>T, p.Arg293Trp (NM_001410977.1); and 2 more; short protein forms R249W, R293W, R136W, R188W.
Identifiers: ClinVar variation 1431302 (VCV001431302.7), dbSNP rs779668899, ClinGen allele CA6616190.